The following is an entry in ClinVar:

ClinVar aggregate classification (germline): Uncertain significance (1 of 4 stars; one submission).

Conditions:
Cardiomyopathy (CMYO). Also called: Cardiomyopathies. Identifiers: Orphanet 167848, MedGen C0878544, MONDO:0004994, HP:0001638. Inheritance: Various modes of inheritance.

gnomAD v4.1: 1 of 1,613,934 alleles (0.000062%); highest among the groups gnomAD compares: South Asian, 0.0011%; no homozygotes.

Submission:

Color Diagnostics, LLC DBA Color Health
Classification: Uncertain significance for Cardiomyopathy. Last evaluated: 2025-07-02. Review status: criteria provided, single submitter. Criteria: ACMG Guidelines, 2015. Collection method: clinical testing. Allele origin: germline.
Comment: This missense variant replaces methionine with threonine at codon 2707 of the DSP protein. Computational prediction is inconclusive regarding the impact of this variant on protein structure and function. To our knowledge, functional studies have not been reported for this variant. This variant has been reported in an individual affected with arrhythmogenic right ventricular cardiomyopathy (PMID: 27532257). This variant has been identified in 1/251444 chromosomes in the general population by the Genome Aggregation Database (gnomAD). The available evidence is insufficient to determine the role of this variant in disease conclusively. Therefore, this variant is classified as a Variant of Uncertain Significance.

Literature cited by the submitters: PubMed 27532257.

NM_004415.4(DSP):c.8120T>C (p.Met2707Thr)

Gene: DSP (desmoplakin; plus strand). Cytogenetic location: 6p24.3.
Variant type: single nucleotide variant.
Coding change: c.8120T>C on transcript NM_004415.4 (MANE Select); coding-DNA position 8120, T replaced by C.
Protein change: p.Met2707Thr; replaces methionine 2707 with threonine.
Molecular consequence: missense variant.
Genome position (GRCh38, 1-based): chr6:7,585,382, T>C. VCF-style: chr6-7585382-T-C. GRCh37 (hg19) VCF-style: chr6-7585615-T-C.
Other names: c.6323T>C, p.Met2108Thr (NM_001008844.3); c.6791T>C, p.Met2264Thr (NM_001319034.2); short protein forms M2108T, M2264T, M2707T.
Identifiers: ClinVar variation 4757505 (VCV004757505.1).